The following is an entry in ClinVar:

ClinVar aggregate classification (germline): Uncertain significance (1 of 4 stars; one submission).

Conditions:
Anterior segment dysgenesis. Also called: Ocular anterior segment dysgenesis. Identifiers: Orphanet 88632, MedGen C1862839, MONDO:0019503, HP:0007700.
Congenital primary aphakia. Also called: Anterior segment dysgenesis 2, multiple subtypes; ANTERIOR SEGMENT DYSGENESIS 2. Identifiers: Orphanet 83461, MedGen C1853230, MONDO:0012456, OMIM 610256.

Submission:

Labcorp Genetics (formerly Invitae), Labcorp
Classification: Uncertain significance for Anterior segment dysgenesis; Congenital primary aphakia. Last evaluated: 2025-09-09. Review status: criteria provided, single submitter. Criteria: Invitae Variant Classification Sherloc (09022015). Collection method: clinical testing. Allele origin: germline.
Comment: This sequence change affects codon 296 of the FOXE3 mRNA. It is a 'silent' change, meaning that it does not change the encoded amino acid sequence of the FOXE3 protein. This variant is not present in population databases (gnomAD no frequency). This variant has not been reported in the literature in individuals affected with FOXE3-related conditions. In summary, the available evidence is currently insufficient to determine the role of this variant in disease. Therefore, it has been classified as a Variant of Uncertain Significance.

NM_012186.3(FOXE3):c.888C>T (p.Leu296=)

Genes: FOXE3 (forkhead box E3; plus strand), LINC01389 (long independently transcribed non-coding RNA 1389; minus strand). Cytogenetic location: 1p33.
Variant type: single nucleotide variant.
Coding change: c.888C>T on transcript NM_012186.3 (MANE Select); coding-DNA position 888, C replaced by T.
Protein change: p.Leu296=; no amino-acid change (leucine 296 retained).
Molecular consequence: synonymous variant.
Genome position (GRCh38, 1-based): chr1:47,417,203, C>T. VCF-style: chr1-47417203-C-T. GRCh37 (hg19) VCF-style: chr1-47882875-C-T.
Identifiers: ClinVar variation 4794623 (VCV004794623.1).